The following is an entry in ClinVar:

ClinVar aggregate classification (germline): Uncertain significance. Review status: criteria provided, multiple submitters, no conflicts (2 of 4 stars). 2 submissions from 2 submitters: Uncertain significance (2). Last evaluated 2023-11-25.

Conditions:
Autosomal recessive severe congenital neutropenia due to CSF3R deficiency. Also called: Neutropenia, severe congenital, 7, autosomal recessive. Identifiers: Orphanet 420702, MedGen C4310764, MONDO:0014865, OMIM 617014.
Inborn genetic diseases. Identifiers: MedGen C0950123, MeSH D030342.

Allele frequency attached by ClinVar (database versions not stated): gnomAD exomes below 0.00001; gnomAD 0.00001; TOPMed 0.00002.
gnomAD v4.1: 22 of 1,614,044 alleles (0.0014%); highest among the groups gnomAD compares: Non-Finnish European, 0.0019%; no homozygotes.

Submissions (2):

Labcorp Genetics (formerly Invitae), Labcorp
Classification: Uncertain significance for Autosomal recessive severe congenital neutropenia due to CSF3R deficiency. Last evaluated: 2023-11-25. Review status: criteria provided, single submitter. Criteria: Invitae Variant Classification Sherloc (09022015). Collection method: clinical testing. Allele origin: germline.
Comment: This sequence change replaces serine, which is neutral and polar, with glycine, which is neutral and non-polar, at codon 322 of the CSF3R protein (p.Ser322Gly). This variant is present in population databases (rs376634675, gnomAD 0.0009%). This variant has not been reported in the literature in individuals affected with CSF3R-related conditions. ClinVar contains an entry for this variant (Variation ID: 650989). Advanced modeling of protein sequence and biophysical properties (such as structural, functional, and spatial information, amino acid conservation, physicochemical variation, residue mobility, and thermodynamic stability) performed at Invitae indicates that this missense variant is expected to disrupt CSF3R protein function with a positive predictive value of 80%. In summary, the available evidence is currently insufficient to determine the role of this variant in disease. Therefore, it has been classified as a Variant of Uncertain Significance.

Ambry Genetics
Classification: Uncertain significance for Inborn genetic diseases. Last evaluated: 2022-11-17. Review status: criteria provided, single submitter. Criteria: Ambry Variant Classification Scheme 2023. Collection method: clinical testing. Allele origin: germline.

NM_000760.4(CSF3R):c.964A>G (p.Ser322Gly)

Gene: CSF3R (colony stimulating factor 3 receptor; minus strand). Cytogenetic location: 1p34.3.
Variant type: single nucleotide variant.
Coding change: c.964A>G on transcript NM_000760.4 (MANE Select); coding-DNA position 964, A replaced by G.
Protein change: p.Ser322Gly; replaces serine 322 with glycine.
Molecular consequence: missense variant.
Genome position (GRCh38, 1-based): chr1:36,472,271, T>C on the plus strand (A>G on the coding strand, the complement: CSF3R is on the minus strand). VCF-style: chr1-36472271-T-C. GRCh37 (hg19) VCF-style: chr1-36937872-T-C.
Other names: c.964A>G, p.Ser322Gly (LRG_144t1, NM_156039.3, NM_172313.3); short protein forms S322G.
Identifiers: ClinVar variation 650989 (VCV000650989.9), dbSNP rs376634675, ClinGen allele CA769337.
Genomic context (GRCh38, chr1:36,472,271, plus strand): 5'-GCTCCCAGCCTCTCATCACCTCCTTACCCCGTTCGGTAGTTCTCAGCTCCAGGCTGGGGC[T>C]CCAGTCGCTCCAGTGGCCAGGCAGGGGCCAGCGGATGCAGCGTATCTGCAGGGTGTAGGC-3'
Protein context (NP_000751.1, residues 312-332): WPLPGHWSDW[Ser322Gly]PSLELRTTER